The following is an entry in ClinVar:

ClinVar aggregate classification (germline): Uncertain significance (1 of 4 stars; one submission).

gnomAD v4.1: 15 of 1,614,064 alleles (0.00093%); highest among the groups gnomAD compares: South Asian, 0.0044%; no homozygotes.

Submission:

Labcorp Genetics (formerly Invitae), Labcorp
Classification: Uncertain significance. Last evaluated: 2024-10-14. Review status: criteria provided, single submitter. Criteria: Invitae Variant Classification Sherloc (09022015). Collection method: clinical testing. Allele origin: germline.
Comment: This sequence change replaces valine, which is neutral and non-polar, with isoleucine, which is neutral and non-polar, at codon 610 of the DISP1 protein (p.Val610Ile). This variant is not present in population databases (gnomAD no frequency). This variant has not been reported in the literature in individuals affected with DISP1-related conditions. ClinVar contains an entry for this variant (Variation ID: 1417111). An algorithm developed to predict the effect of missense changes on protein structure and function (PolyPhen-2) suggests that this variant is likely to be disruptive. In summary, the available evidence is currently insufficient to determine the role of this variant in disease. Therefore, it has been classified as a Variant of Uncertain Significance.

NM_001377229.1(DISP1):c.1828G>A (p.Val610Ile)

Gene: DISP1 (dispatched RND transporter family member 1; plus strand). Cytogenetic location: 1q41.
Variant type: single nucleotide variant.
Coding change: c.1828G>A on transcript NM_001377229.1 (MANE Select); coding-DNA position 1828, G replaced by A.
Protein change: p.Val610Ile; replaces valine 610 with isoleucine.
Molecular consequence: missense variant.
Genome position (GRCh38, 1-based): chr1:223,003,225, G>A. VCF-style: chr1-223003225-G-A. GRCh37 (hg19) VCF-style: chr1-223176567-G-A.
Other names: c.1099G>A, p.Val367Ile (NM_001350630.2); c.1828G>A, p.Val610Ile (NM_001369594.1, NM_001377228.1, NM_032890.5); short protein forms V367I, V610I.
Identifiers: ClinVar variation 1417111 (VCV001417111.6), dbSNP rs1304068574, ClinGen allele CA344680085.